The following is an entry in ClinVar:

ClinVar aggregate classification (germline): Uncertain significance (1 of 4 stars; one submission).

Submission:

Labcorp Genetics (formerly Invitae), Labcorp
Classification: Uncertain significance. Last evaluated: 2023-12-21. Review status: criteria provided, single submitter. Criteria: Invitae Variant Classification Sherloc (09022015). Collection method: clinical testing. Allele origin: germline.
Comment: This sequence change creates a premature translational stop signal (p.Asp831Thrfs*37) in the NUP205 gene. It is expected to result in an absent or disrupted protein product. However, the current clinical and genetic evidence is not sufficient to establish whether loss-of-function variants in NUP205 cause disease. This variant is not present in population databases (gnomAD no frequency). This variant has not been reported in the literature in individuals affected with NUP205-related conditions. ClinVar contains an entry for this variant (Variation ID: 2003694). In summary, the available evidence is currently insufficient to determine the role of this variant in disease. Therefore, it has been classified as a Variant of Uncertain Significance.

NM_015135.3(NUP205):c.2488del (p.Asp831fs)

Gene: NUP205 (nucleoporin 205; plus strand). Cytogenetic location: 7q33.
Variant type: Deletion.
Coding change: c.2488del on transcript NM_015135.3 (MANE Select); coding-DNA position 2488, one base deleted (C; older notation c.2488delC).
Protein change: p.Asp831fs; shifts the reading frame from aspartic acid 831.
Molecular consequence: frameshift variant.
Genome position (GRCh38, 1-based): chr7:135,601,483, C deleted. VCF-style (leftmost placement, unchanged base first): chr7-135601482-GC-G. GRCh37 (hg19) VCF-style: chr7-135286230-GC-G.
Other names: c.1414del, p.Asp473fs (NM_001329434.2); short protein forms D831fs, D473fs.
Identifiers: ClinVar variation 2003694 (VCV002003694.4), dbSNP rs2486149985, ClinGen allele CA2580077482.
Genomic context (GRCh38, chr7:135,601,482, plus strand): 5'-GCTGAATGAGTCACCAATGTTGGAGCTTGCTCTCAGTTTACTGGAAGAAGGAGTTAAGCA[GC>G]TTGACACCTATGCCCCCTTTCCTGGTATATGCTTAAAAGCCTTCATGTCTTGCAAACAGC-3'